The following is an entry in ClinVar:

ClinVar aggregate classification (germline): Likely pathogenic (1 of 4 stars; one submission).

Conditions:
Brown-Vialetto-van Laere syndrome 2. Also called: Riboflavin transporter deficiency type 2; SPINOCEREBELLAR ATAXIA WITH BLINDNESS AND DEAFNESS 2. Identifiers: Orphanet 572543, Orphanet 97229, MedGen C3553538, MONDO:0013867, OMIM 614707.

Submission:

Juno Genomics, Hangzhou Juno Genomics, Inc
Classification: Likely pathogenic for Brown-Vialetto-van Laere syndrome 2. Review status: criteria provided, single submitter. Criteria: ACMG Guidelines, 2015. Collection method: clinical testing. Allele origin: germline.
Comment: Absent from controls (or at extremely low frequency if recessive) in Genome Aggregation Database.;Null variant in a gene where loss of function (LOF) is a known mechanism of disease.

NM_001363118.2(SLC52A2):c.183dup (p.Leu62fs)

Gene: SLC52A2 (solute carrier family 52 member 2; plus strand). Cytogenetic location: 8q24.3.
Variant type: Duplication.
Coding change: c.183dup on transcript NM_001363118.2 (MANE Select); coding-DNA position 183, one base duplicated (T; older notation c.183dupT).
Protein change: p.Leu62fs; shifts the reading frame from leucine 62.
Molecular consequence: frameshift variant. On other transcripts: 5 prime UTR variant (1), non-coding transcript variant (1), intron variant (5).
Genome position (GRCh38, 1-based): chr8:144,359,675, T duplicated. VCF-style (leftmost placement, unchanged base first): chr8-144359674-G-GT. GRCh37 (hg19) VCF-style: chr8-145583334-G-GT.
Other names: c.183dup, p.Leu62fs (NM_001253815.2, NM_001253816.2, NM_001363120.2 and 5 more transcripts); c.-82dup (NM_001410949.1); c.130+252dup (NM_001438494.1, NM_001438089.1, NM_001438499.1 and 2 more transcripts); short protein forms L62fs.
Identifiers: ClinVar variation 5019069 (VCV005019069.2).